The following is an entry in ClinVar:

NM_020693.4(DSCAML1):c.3877A>G (p.Ile1293Val)

Gene: DSCAML1 (DS cell adhesion molecule like 1; minus strand). Cytogenetic location: 11q23.3.
Variant type: single nucleotide variant.
Coding change: c.3877A>G on transcript NM_020693.4 (MANE Select); coding-DNA position 3877, A replaced by G.
Protein change: p.Ile1293Val; replaces isoleucine 1293 with valine.
Molecular consequence: missense variant.
Genome position (GRCh38, 1-based): chr11:117,439,922, T>C on the plus strand (A>G on the coding strand, the complement: DSCAML1 is on the minus strand). VCF-style: chr11-117439922-T-C. GRCh37 (hg19) VCF-style: chr11-117310638-T-C.
Other names: short protein forms I1293V.
Identifiers: ClinVar variation 2790425 (VCV002790425.3), dbSNP rs2048008508, ClinGen allele CA382761748.

ClinVar aggregate classification (germline): Uncertain significance (1 of 4 stars; one submission).

Allele frequency attached by ClinVar (database versions not stated): TOPMed below 0.00001; gnomAD 0.00001.
gnomAD v4.1: 11 of 1,613,992 alleles (0.00068%); highest among the groups gnomAD compares: Non-Finnish European, 0.00093%; no homozygotes.

Submission:

Labcorp Genetics (formerly Invitae), Labcorp
Classification: Uncertain significance. Last evaluated: 2023-06-20. Review status: criteria provided, single submitter. Criteria: Invitae Variant Classification Sherloc (09022015). Collection method: clinical testing. Allele origin: germline.
Comment: In summary, the available evidence is currently insufficient to determine the role of this variant in disease. Therefore, it has been classified as a Variant of Uncertain Significance. An algorithm developed to predict the effect of missense changes on protein structure and function (PolyPhen-2) suggests that this variant is likely to be tolerated. This variant has not been reported in the literature in individuals affected with DSCAML1-related conditions. This variant is not present in population databases (gnomAD no frequency). This sequence change replaces isoleucine, which is neutral and non-polar, with valine, which is neutral and non-polar, at codon 1353 of the DSCAML1 protein (p.Ile1353Val).